The following is an entry in ClinVar:

NM_001184880.2(PCDH19):c.1924G>A (p.Val642Met)

Gene: PCDH19 (protocadherin 19; minus strand). Cytogenetic location: Xq22.1.
Variant type: single nucleotide variant.
Coding change: c.1924G>A on transcript NM_001184880.2 (MANE Select); coding-DNA position 1924, G replaced by A.
Protein change: p.Val642Met; replaces valine 642 with methionine.
Molecular consequence: missense variant.
Genome position (GRCh38, 1-based): chrX:100,406,674, C>T on the plus strand (G>A on the coding strand, the complement: PCDH19 is on the minus strand). VCF-style: chrX-100406674-C-T. GRCh37 (hg19) VCF-style: chrX-99661672-C-T.
Other names: c.1924G>A, p.Val642Met (NM_001105243.2, NM_020766.3); short protein forms V642M.
Identifiers: ClinVar variation 1698610 (VCV001698610.4), dbSNP rs1221643775, ClinGen allele CA414001672.

ClinVar aggregate classification (germline): Uncertain significance. Review status: criteria provided, multiple submitters, no conflicts (2 of 4 stars). 2 submissions from 2 submitters: Uncertain significance (2). Last evaluated 2024-02-23.

Conditions:
Developmental and epileptic encephalopathy, 9 (DEE9). Also called: EPILEPSY, FEMALE-RESTRICTED, WITH MENTAL RETARDATION; PCDH19-Related X-Linked Female-Limited Epilepsy with Mental Retardation; Early infantile epileptic encephalopathy 9; JUBERG-HELLMAN SYNDROME. Identifiers: Orphanet 101039, Orphanet 2076, MedGen C1848137, MONDO:0010246, OMIM 300088. Disease mechanism: loss of function.

gnomAD v4.1: 2 of 1,211,571 alleles (0.00017%); highest among the groups gnomAD compares: Middle Eastern, 0.023%; no homozygotes.

Submissions (2):

Labcorp Genetics (formerly Invitae), Labcorp
Classification: Uncertain significance for Developmental and epileptic encephalopathy, 9. Last evaluated: 2024-02-23. Review status: criteria provided, single submitter. Criteria: Invitae Variant Classification Sherloc (09022015). Collection method: clinical testing. Allele origin: germline.
Comment: This sequence change replaces valine, which is neutral and non-polar, with methionine, which is neutral and non-polar, at codon 642 of the PCDH19 protein (p.Val642Met). This variant is not present in population databases (gnomAD no frequency). This missense change has been observed in individual(s) with infantile epileptic encephalopathy (PMID: 22267240). ClinVar contains an entry for this variant (Variation ID: 1698610). Advanced modeling of protein sequence and biophysical properties (such as structural, functional, and spatial information, amino acid conservation, physicochemical variation, residue mobility, and thermodynamic stability) performed at Invitae indicates that this missense variant is expected to disrupt PCDH19 protein function with a positive predictive value of 95%. In summary, the available evidence is currently insufficient to determine the role of this variant in disease. Therefore, it has been classified as a Variant of Uncertain Significance.

Women's Health and Genetics/Laboratory Corporation of America, LabCorp
Classification: Uncertain significance. Last evaluated: 2022-06-22. Review status: criteria provided, single submitter. Criteria: LabCorp Variant Classification Summary - May 2015. Collection method: clinical testing. Allele origin: germline.
Comment: Variant summary: PCDH19 c.1924G>A (p.Val642Met) results in a conservative amino acid change located in the Cadherin-like domain (IPR002126) of the encoded protein sequence. Four of five in-silico tools predict a damaging effect of the variant on protein function. The variant allele was found at a frequency of 5.5e-06 in 181526 control chromosomes. The available data on variant occurrences in the general population are insufficient to allow any conclusion about variant significance. c.1924G>A has been reported in the literature with an "unknown" inheritance (de-novo/transmitted/FH not specified) in at-least one female with PCDH19-related infantile epileptic encephalopathy who has been subsequently cited by others (example, Depienne_2012, van Harssel_2013, Kolc_2019). These data do not allow any conclusion about variant significance. To our knowledge, no experimental evidence demonstrating an impact on protein function has been reported. No clinical diagnostic laboratories have submitted clinical-significance assessments for this variant to ClinVar after 2014. Based on the evidence outlined above, the variant was classified as uncertain significance.

Literature cited by the submitters: PubMed 22267240 (cited by Labcorp Genetics (formerly Invitae), Labcorp and Women's Health and Genetics/Laboratory Corporation of America, LabCorp); PubMed 29892053 (cited by Women's Health and Genetics/Laboratory Corporation of America, LabCorp); PubMed 23334464 (cited by Women's Health and Genetics/Laboratory Corporation of America, LabCorp).